The following is an entry in ClinVar:

NM_001077350.3(NPRL3):c.128G>T (p.Arg43Leu)

Genes: HBA-LCR (alpha-globin locus control region; plus strand), NPRL3 (NPR3 like, GATOR1 complex subunit; minus strand). Cytogenetic location: 16p13.3.
Variant type: single nucleotide variant.
Coding change: c.128G>T on transcript NM_001077350.3 (MANE Select); coding-DNA position 128, G replaced by T.
Protein change: p.Arg43Leu; replaces arginine 43 with leucine.
Molecular consequence: missense variant. On other transcripts: 5 prime UTR variant (2).
Genome position (GRCh38, 1-based): chr16:130,582, C>A on the plus strand (G>T on the coding strand, the complement: NPRL3 is on the minus strand). VCF-style: chr16-130582-C-A. GRCh37 (hg19) VCF-style: chr16-180581-C-A.
Other names: c.-205G>T (NM_001039476.3); c.-244G>T (NM_001243247.2); c.128G>T, p.Arg43Leu (NM_001243248.2, NM_001243249.2); short protein forms R43L.
Identifiers: ClinVar variation 939614 (VCV000939614.10), dbSNP rs376476299, ClinGen allele CA7769766.

ClinVar aggregate classification (germline): Uncertain significance. Review status: criteria provided, multiple submitters, no conflicts (2 of 4 stars). 2 submissions from 2 submitters: Uncertain significance (2). Last evaluated 2025-09-02.

Conditions:
Epilepsy, familial focal, with variable foci 3 (FFEVF3). Identifiers: MedGen C4310708, MONDO:0014925, OMIM 617118.
Inborn genetic diseases. Identifiers: MedGen C0950123, MeSH D030342.

Allele frequency attached by ClinVar (database versions not stated): TOPMed 0.00004; ExAC 0.00005; ESP Exome Variant Server 0.00008.
gnomAD v4.1: 11 of 1,554,282 alleles (0.00071%); highest among the groups gnomAD compares: African/African-American, 0.0041%; no homozygotes.

Submissions (2):

Labcorp Genetics (formerly Invitae), Labcorp
Classification: Uncertain significance for Epilepsy, familial focal, with variable foci 3. Last evaluated: 2025-09-02. Review status: criteria provided, single submitter. Criteria: Invitae Variant Classification Sherloc (09022015). Collection method: clinical testing. Allele origin: germline.
Comment: This sequence change replaces arginine, which is basic and polar, with leucine, which is neutral and non-polar, at codon 43 of the NPRL3 protein (p.Arg43Leu). The frequency data for this variant in the population databases is considered unreliable, as metrics indicate poor data quality at this position in the gnomAD database. This variant has not been reported in the literature in individuals affected with NPRL3-related conditions. ClinVar contains an entry for this variant (Variation ID: 939614). Invitae Evidence Modeling of protein sequence and biophysical properties (such as structural, functional, and spatial information, amino acid conservation, physicochemical variation, residue mobility, and thermodynamic stability) indicates that this missense variant is not expected to disrupt NPRL3 protein function with a negative predictive value of 80%. In summary, the available evidence is currently insufficient to determine the role of this variant in disease. Therefore, it has been classified as a Variant of Uncertain Significance.

Ambry Genetics
Classification: Uncertain significance for Inborn genetic diseases. Last evaluated: 2025-05-04. Review status: criteria provided, single submitter. Criteria: Ambry Variant Classification Scheme 2023. Collection method: clinical testing. Allele origin: germline.